The following is an entry in ClinVar:

ClinVar aggregate classification (germline): Uncertain significance (1 of 4 stars; one submission).

Conditions:
Thrombomodulin-related bleeding disorder (THPH12). Also called: Thrombophilia due to thrombomodulin defect. Identifiers: Orphanet 436169, MedGen C3280976, MONDO:0013775, OMIM 614486.

Submission:

Genomenon, Inc
Classification: Uncertain significance for Thrombomodulin-related bleeding disorder. Last evaluated: 2025-09-22. Review status: criteria provided, single submitter. Criteria: Genomenon Sequence Variant Interpretation Standards - Updated. Collection method: curation. Allele origin: germline. Affected: no.
Comment: THBD p.Asp489Gly (c.1466A>G) is a missense variant that changes the amino acid at residue 489 from Aspartic acid to Glycine. Functional studies have been reported; however, the significance of the findings remain unclear (PMID:25772620). It is absent or not present at a significant frequency in gnomAD. In silico models agree that this variant is not damaging. In conclusion, we classify THBD p.Asp489Gly (c.1466A>G) as a variant of unknown significance.

Literature cited by the submitters: PubMed 25772620.

NM_000361.3(THBD):c.1466A>G (p.Asp489Gly)

Gene: THBD (thrombomodulin; minus strand). Cytogenetic location: 20p11.21.
Variant type: single nucleotide variant.
Coding change: c.1466A>G on transcript NM_000361.3 (MANE Select); coding-DNA position 1466, A replaced by G.
Protein change: p.Asp489Gly; replaces aspartic acid 489 with glycine.
Molecular consequence: missense variant.
Genome position (GRCh38, 1-based): chr20:23,048,039, T>C on the plus strand (A>G on the coding strand, the complement: THBD is on the minus strand). VCF-style: chr20-23048039-T-C. GRCh37 (hg19) VCF-style: chr20-23028676-T-C.
Other names: short protein forms D489G.
Identifiers: ClinVar variation 4280482 (VCV004280482.1).